The following is an entry in ClinVar:

NM_002778.4(PSAP):c.960C>T (p.Phe320=)

Gene: PSAP (prosaposin; minus strand). Cytogenetic location: 10q22.1.
Variant type: single nucleotide variant.
Coding change: c.960C>T on transcript NM_002778.4 (MANE Select); coding-DNA position 960, C replaced by T.
Protein change: p.Phe320=; no amino-acid change (phenylalanine 320 retained).
Molecular consequence: synonymous variant.
Genome position (GRCh38, 1-based): chr10:71,820,285, G>A on the plus strand (C>T on the coding strand, the complement: PSAP is on the minus strand). VCF-style: chr10-71820285-G-A. GRCh37 (hg19) VCF-style: chr10-73580042-G-A.
Other names: c.969C>T, p.Phe323= (NM_001042465.3); c.966C>T, p.Phe322= (NM_001042466.3); c.960C>T (NM_002778.3, NM_002778.2).
Identifiers: ClinVar variation 1160820 (VCV001160820.12), dbSNP rs369725602, ClinGen allele CA5547553.
Genomic context (GRCh38, chr10:71,820,285, plus strand): 5'-AGGAGGACAGCATACCTCAGTCTTGTTGTTGTCAATCAGCTTGGTCACCTCCTTCACCAG[G>A]AATTCACACACCTCACAGTAAACATCAGACTTTGCTGGGACCTCGTGCTTCTGTGGAAAG-3'
Protein context (NP_002769.1, residues 310-330): KSDVYCEVCE[Phe320=]LVKEVTKLID

ClinVar aggregate classification (germline): Likely benign. Review status: criteria provided, multiple submitters, no conflicts (2 of 4 stars). 3 submissions from 3 submitters: Likely benign (2). 1 of the submissions does not count toward it. Last evaluated 2025-06-26.

Conditions:
PSAP-related disorder. Also called: PSAP-related condition.
Sphingolipid activator protein 1 deficiency. Also called: Metachromatic leukodystrophy due to saposin B deficiency; METACHROMATIC LEUKODYSTROPHY DUE TO CEREBROSIDE SULFATASE ACTIVATOR DEFICIENCY; Saposin B Deficiency. Identifiers: Orphanet 512, MedGen C0268262, MONDO:0009590, OMIM 249900.
Inborn genetic diseases. Identifiers: MedGen C0950123, MeSH D030342.

Allele frequency attached by ClinVar (database versions not stated): ExAC 0.00001; gnomAD exomes 0.00001 and 0.00002; TOPMed 0.00005; gnomAD 0.00007; ESP Exome Variant Server 0.00008.
gnomAD v4.1: 27 of 1,614,084 alleles (0.0017%); highest among the groups gnomAD compares: Admixed American, 0.012%; no homozygotes.

Submissions (3):

Labcorp Genetics (formerly Invitae), Labcorp
Classification: Likely benign for Sphingolipid activator protein 1 deficiency. Last evaluated: 2025-06-26. Review status: criteria provided, single submitter. Criteria: Invitae Variant Classification Sherloc (09022015). Collection method: clinical testing. Allele origin: germline.

Ambry Genetics
Classification: Likely benign for Inborn genetic diseases. Last evaluated: 2024-08-12. Review status: criteria provided, single submitter. Criteria: Ambry Variant Classification Scheme 2023. Collection method: clinical testing. Allele origin: germline.

PreventionGenetics, part of Exact Sciences
Classification: Likely benign for PSAP-related condition. Last evaluated: 2022-12-20. Review status: no assertion criteria provided. Collection method: clinical testing. Allele origin: germline. Not counted in ClinVar's aggregate classification.
Comment: This variant is classified as likely benign based on ACMG/AMP sequence variant interpretation guidelines (Richards et al. 2015 PMID: 25741868, with internal and published modifications).